The following is an entry in ClinVar:

ClinVar aggregate classification (germline): Pathogenic. Review status: criteria provided, multiple submitters, no conflicts (2 of 4 stars). 4 submissions from 4 submitters: Pathogenic (3). 1 of the submissions does not count toward it. Last evaluated 2025-03-18.

Conditions:
Arterial calcification, generalized, of infancy, 1 (GACI1). Also called: Idiopathic Infantile Arterial Calcification. Identifiers: Orphanet 51608, MedGen C4551985, MONDO:0008817, OMIM 208000.
Hypophosphatemic rickets, autosomal recessive, 2 (ARHR2). Identifiers: Orphanet 289176, MedGen C2750078, MONDO:0013219, OMIM 613312.

Submissions (4):

First Genomix Gene Laboratory, Genetic Diagnostics Department
Classification: Pathogenic for Arterial calcification, generalized, of infancy, 1; Hypophosphatemic rickets, autosomal recessive, 2. Last evaluated: 2025-03-18. Review status: criteria provided, single submitter. Criteria: ACMG Guidelines, 2015. Collection method: clinical testing. Allele origin: germline. Inheritance: Autosomal recessive inheritance. Affected: no. Observed: 1 variant allele.

CeGaT Center for Human Genetics Tuebingen
Classification: Pathogenic. Last evaluated: 2024-10-01. Review status: criteria provided, single submitter. Criteria: CeGaT Center For Human Genetics Tuebingen Variant Classification Criteria Version 2. Collection method: clinical testing. Allele origin: germline. Affected: yes. Observed: 1 variant allele.
Comment: ENPP1: PVS1:Strong, PM2, PM3, PP4:Moderate, PS3:Supporting

Institute of Human Genetics Munich, TUM University Hospital
Classification: Pathogenic for Arterial calcification, generalized, of infancy, 1. Last evaluated: 2019-06-28. Review status: criteria provided, single submitter. Criteria: Classification criteria August 2017. Collection method: clinical testing. Allele origin: germline. Inheritance: Autosomal recessive inheritance. Affected: yes. Observed: 1 homozygote.

OMIM
Classification: Pathogenic for ARTERIAL CALCIFICATION, GENERALIZED, OF INFANCY, 1. Last evaluated: 2003-08-01. Review status: no assertion criteria provided. Collection method: literature only. Allele origin: germline. Not counted in ClinVar's aggregate classification.

Literature cited by the submitters: PubMed 11159191 (cited by OMIM); PubMed 12881724 (cited by OMIM).

NM_006208.3(ENPP1):c.2677G>T (p.Glu893Ter)

Gene: ENPP1 (ectonucleotide pyrophosphatase/phosphodiesterase 1; plus strand). Cytogenetic location: 6q23.2.
Variant type: single nucleotide variant.
Coding change: c.2677G>T on transcript NM_006208.3 (MANE Select); coding-DNA position 2677, G replaced by T.
Protein change: p.Glu893Ter; replaces glutamic acid 893 with a stop codon.
Molecular consequence: nonsense.
Genome position (GRCh38, 1-based): chr6:131,890,410, G>T. VCF-style: chr6-131890410-G-T. GRCh37 (hg19) VCF-style: chr6-132211550-G-T.
Other names: short protein forms E893*.
Identifiers: ClinVar variation 13585 (VCV000013585.21), dbSNP rs121918023, ClinGen allele CA256903.